The following is an entry in ClinVar:

ClinVar aggregate classification (germline): Pathogenic (1 of 4 stars; one submission).

Conditions:
Cardiovascular phenotype. Identifiers: MedGen CN230736.
Hereditary cancer-predisposing syndrome. Also called: Hereditary neoplastic syndrome; Neoplastic Syndromes, Hereditary; Tumor predisposition; Hereditary Cancer Syndrome. Identifiers: Orphanet 140162, MedGen C0027672, MeSH D009386, MONDO:0015356.

Submission:

Ambry Genetics
Classification: Pathogenic for Cardiovascular phenotype; Hereditary cancer-predisposing syndrome. Last evaluated: 2025-07-22. Review status: criteria provided, single submitter. Criteria: Ambry Variant Classification Scheme 2023. Collection method: clinical testing. Allele origin: germline.
Comment: The c.2298delT pathogenic mutation, located in coding exon 19 of the NF1 gene, results from a deletion of one nucleotide at nucleotide position 2298, causing a translational frameshift with a predicted alternate stop codon (p.I766Mfs*25). This variant was reported in individual(s) with features consistent with neurofibromatosis type 1 (D'Angelo F et al. Nat Med. 2019 Jan;25:176-187; Ambry internal data). This variant is considered to be rare based on population cohorts in the Genome Aggregation Database (gnomAD). This alteration is expected to result in loss of function by premature protein truncation or nonsense-mediated mRNA decay. As such, this alteration is interpreted as a disease-causing mutation.

Literature cited by the submitters: PubMed 30531922.

NM_001042492.3(NF1):c.2298del (p.Ile766fs)

Gene: NF1 (neurofibromin 1; plus strand). Cytogenetic location: 17q11.2.
Variant type: Deletion.
Coding change: c.2298del on transcript NM_001042492.3 (MANE Select); coding-DNA position 2298, one base deleted (T; older notation c.2298delT).
Protein change: p.Ile766fs; shifts the reading frame from isoleucine 766.
Molecular consequence: frameshift variant.
Genome position (GRCh38, 1-based): chr17:31,227,264, T deleted; the last of 2 consecutive T bases (chr17:31,227,263-31,227,264); deleting either gives the same sequence. VCF-style (leftmost placement, unchanged base first): chr17-31227262-AT-A. GRCh37 (hg19) VCF-style: chr17-29554280-AT-A.
Other names: c.2298del, p.Ile766fs (NM_000267.4); short protein forms I766fs.
Identifiers: ClinVar variation 4119090 (VCV004119090.1).